The following is an entry in ClinVar:

NM_000426.4(LAMA2):c.442C>T (p.Arg148Trp)

Gene: LAMA2 (laminin subunit alpha 2; plus strand). Cytogenetic location: 6q22.33.
Variant type: single nucleotide variant.
Coding change: c.442C>T on transcript NM_000426.4 (MANE Select); coding-DNA position 442, C replaced by T.
Protein change: p.Arg148Trp; replaces arginine 148 with tryptophan.
Molecular consequence: missense variant.
Genome position (GRCh38, 1-based): chr6:129,098,218, C>T. VCF-style: chr6-129098218-C-T. GRCh37 (hg19) VCF-style: chr6-129419363-C-T.
Other names: c.442C>T, p.Arg148Trp (NM_001079823.2); short protein forms R148W.
Identifiers: ClinVar variation 1301846 (VCV001301846.13), dbSNP rs752485547, ClinGen allele CA3992340.

ClinVar aggregate classification (germline): Conflicting classifications of pathogenicity. Review status: criteria provided, conflicting classifications (1 of 4 stars). 4 submissions from 4 submitters: Pathogenic (1); Likely pathogenic (2); Uncertain significance (1). Last evaluated 2026-07-01.

Conditions:
Muscular dystrophy, limb-girdle, autosomal recessive 23. Identifiers: Orphanet 565837, MedGen C4748327, MONDO:0029136, OMIM 618138.
LAMA2-related muscular dystrophy (LAMA2-RD). Also called: Laminin alpha 2-related dystrophy. Identifiers: MedGen C5679788, MONDO:0100228.

Allele frequency attached by ClinVar (database versions not stated): gnomAD 0.00001; gnomAD exomes 0.00001; TOPMed 0.00001; ExAC 0.00002.
gnomAD v4.1: 5 of 1,613,902 alleles (0.00031%); highest among the groups gnomAD compares: South Asian, 0.0022%; no homozygotes.

Submissions (4):

CeGaT Center for Human Genetics Tuebingen
Classification: Likely pathogenic. Last evaluated: 2026-07-01. Review status: criteria provided, single submitter. Criteria: CeGaT Center For Human Genetics Tuebingen Variant Classification Criteria Version 2. Collection method: clinical testing. Allele origin: germline. Affected: yes. Observed: 1 variant allele.
Comment: LAMA2: PM2, PM3, PP3, PP4

Labcorp Genetics (formerly Invitae), Labcorp
Classification: Likely pathogenic for LAMA2-related muscular dystrophy. Last evaluated: 2025-07-21. Review status: criteria provided, single submitter. Criteria: Invitae Variant Classification Sherloc (09022015). Collection method: clinical testing. Allele origin: germline.
Comment: This sequence change replaces arginine, which is basic and polar, with tryptophan, which is neutral and slightly polar, at codon 148 of the LAMA2 protein (p.Arg148Trp). This variant is present in population databases (rs752485547, gnomAD 0.003%). This missense change has been observed in individuals with congenital muscular dystrophy and/or limb-girdle muscular dystrophy (PMID: 31309178, 38975466). It has also been observed to segregate with disease in related individuals. ClinVar contains an entry for this variant (Variation ID: 1301846). Invitae Evidence Modeling of protein sequence and biophysical properties (such as structural, functional, and spatial information, amino acid conservation, physicochemical variation, residue mobility, and thermodynamic stability) has been performed for this missense variant. However, the output from this modeling did not meet the statistical confidence thresholds required to predict the impact of this variant on LAMA2 protein function. This variant disrupts the p.Arg148 amino acid residue in LAMA2. Other variant(s) that disrupt this residue have been observed in individuals with LAMA2-related conditions (PMID: 35868801, 37476021), which suggests that this may be a clinically significant amino acid residue. In summary, the currently available evidence indicates that the variant is pathogenic, but additional data are needed to prove that conclusively. Therefore, this variant has been classified as Likely Pathogenic.

Women's Health and Genetics/Laboratory Corporation of America, LabCorp
Classification: Pathogenic for LAMA2-related muscular dystrophy. Last evaluated: 2024-12-27. Review status: criteria provided, single submitter. Criteria: LabCorp Variant Classification Summary - May 2015. Collection method: clinical testing. Allele origin: germline.
Comment: Variant summary: LAMA2 c.442C>T (p.Arg148Trp) results in a non-conservative amino acid change in the encoded protein sequence. Four of four in-silico tools predict a damaging effect of the variant on protein function. The variant allele was found at a frequency of 1.2e-05 in 251462 control chromosomes. c.442C>T has been reported in the literature in multiple homozygous individuals affected with Laminin Alpha 2-Related Dystrophy and has been shown to segregate with disease in two siblings in one family (Amin_2019, Saluja_2024). These data indicate that the variant is very likely to be associated with disease. To our knowledge, no experimental evidence demonstrating an impact on protein function has been reported. The following publications have been ascertained in the context of this evaluation (PMID: 31309178, 38975466). ClinVar contains an entry for this variant (Variation ID: 1301846). Based on the evidence outlined above, the variant was classified as pathogenic.

Dubai Health Genomic Medicine Center, Dubai Health
Classification: Uncertain significance for Muscular dystrophy, limb-girdle, autosomal recessive 23. Last evaluated: 2020-03-23. Review status: criteria provided, single submitter. Criteria: ACMG Guidelines, 2015. Collection method: clinical testing. Allele origin: germline. Affected: yes.

Literature cited by the submitters: PubMed 31309178 (cited by Labcorp Genetics (formerly Invitae), Labcorp and Women's Health and Genetics/Laboratory Corporation of America, LabCorp); PubMed 38975466 (cited by Labcorp Genetics (formerly Invitae), Labcorp and Women's Health and Genetics/Laboratory Corporation of America, LabCorp); PubMed 35868801 (cited by Labcorp Genetics (formerly Invitae), Labcorp); PubMed 37476021 (cited by Labcorp Genetics (formerly Invitae), Labcorp).